The following is an entry in ClinVar:

ClinVar aggregate classification (germline): Conflicting classifications of pathogenicity. Review status: criteria provided, conflicting classifications (1 of 4 stars). 4 submissions from 4 submitters: Uncertain significance (3); Likely benign (1). Last evaluated 2024-08-17.

Conditions:
Intellectual disability, autosomal dominant 16 (CSS4). Also called: COFFIN-SIRIS SYNDROME 4. Identifiers: Orphanet 1465, MedGen C3553249, MONDO:0013821, OMIM 614609.
Rhabdoid tumor predisposition syndrome 2 (RTPS2). Identifiers: Orphanet 231108, Orphanet 69077, MedGen C2750074, MONDO:0013224, OMIM 613325.
Hereditary cancer-predisposing syndrome. Also called: Neoplastic Syndromes, Hereditary; Tumor predisposition; Hereditary Cancer Syndrome; Hereditary neoplastic syndrome. Identifiers: Orphanet 140162, MedGen C0027672, MeSH D009386, MONDO:0015356.

Allele frequency attached by ClinVar (database versions not stated): gnomAD exomes below 0.00001; TOPMed below 0.00001; ExAC 0.00001.
gnomAD v4.1: 5 of 1,613,770 alleles (0.00031%); highest among the groups gnomAD compares: Non-Finnish European, 0.00042%; no homozygotes.

Submissions (4):

Labcorp Genetics (formerly Invitae), Labcorp
Classification: Uncertain significance for Rhabdoid tumor predisposition syndrome 2. Last evaluated: 2024-08-17. Review status: criteria provided, single submitter. Criteria: Invitae Variant Classification Sherloc (09022015). Collection method: clinical testing. Allele origin: germline.
Comment: This sequence change replaces aspartic acid, which is acidic and polar, with asparagine, which is neutral and polar, at codon 1299 of the SMARCA4 protein (p.Asp1299Asn). This variant is present in population databases (rs747286271, gnomAD 0.0009%). This variant has not been reported in the literature in individuals affected with SMARCA4-related conditions. ClinVar contains an entry for this variant (Variation ID: 537820). Invitae Evidence Modeling of protein sequence and biophysical properties (such as structural, functional, and spatial information, amino acid conservation, physicochemical variation, residue mobility, and thermodynamic stability) indicates that this missense variant is expected to disrupt SMARCA4 protein function with a positive predictive value of 80%. In summary, the available evidence is currently insufficient to determine the role of this variant in disease. Therefore, it has been classified as a Variant of Uncertain Significance.

Ambry Genetics
Classification: Likely benign for Hereditary cancer-predisposing syndrome. Last evaluated: 2024-05-28. Review status: criteria provided, single submitter. Criteria: Ambry Variant Classification Scheme 2023. Collection method: clinical testing. Allele origin: germline.

Blueprint Genetics
Classification: Uncertain significance. Last evaluated: 2023-08-01. Review status: criteria provided, single submitter. Criteria: ACMG Guidelines, 2015. Collection method: clinical testing. Allele origin: germline.

Genome-Nilou Lab
Classification: Uncertain significance for Intellectual disability, autosomal dominant 16. Last evaluated: 2021-07-15. Review status: criteria provided, single submitter. Criteria: ACMG Guidelines, 2015. Collection method: clinical testing. Allele origin: germline. Affected: no.

NM_003072.5(SMARCA4):c.3895G>A (p.Asp1299Asn)

Gene: SMARCA4 (SWI/SNF related BAF chromatin remodeling complex subunit ATPase 4; plus strand). Cytogenetic location: 19p13.2.
Variant type: single nucleotide variant.
Coding change: c.3895G>A on transcript NM_003072.5 (MANE Select); coding-DNA position 3895, G replaced by A.
Protein change: p.Asp1299Asn; replaces aspartic acid 1299 with asparagine.
Molecular consequence: missense variant. On other transcripts: non-coding transcript variant (1).
Genome position (GRCh38, 1-based): chr19:11,034,144, G>A. VCF-style: chr19-11034144-G-A. GRCh37 (hg19) VCF-style: chr19-11144820-G-A.
Other names: c.3895G>A, p.Asp1299Asn (NM_001128844.3, NM_001128849.3, NM_001387283.1); c.3796G>A, p.Asp1266Asn (NM_001128845.2, NM_001128846.2, NM_001128847.4 and 2 more transcripts); short protein forms D1299N, D1266N.
Identifiers: ClinVar variation 537820 (VCV000537820.15), dbSNP rs747286271, ClinGen allele CA9204559.